The following is an entry in ClinVar:

NM_022114.4(PRDM16):c.2848C>T (p.Arg950Ter)

Gene: PRDM16 (PR/SET domain 16; plus strand). Cytogenetic location: 1p36.32.
Variant type: single nucleotide variant.
Coding change: c.2848C>T on transcript NM_022114.4 (MANE Select); coding-DNA position 2848, C replaced by T.
Protein change: p.Arg950Ter; replaces arginine 950 with a stop codon.
Molecular consequence: nonsense.
Genome position (GRCh38, 1-based): chr1:3,417,984, C>T. VCF-style: chr1-3417984-C-T. GRCh37 (hg19) VCF-style: chr1-3334548-C-T.
Other names: c.2848C>T, p.Arg950Ter (NM_199454.3); c.2848C>T (NM_022114.3); short protein forms R950*.
Identifiers: ClinVar variation 2887535 (VCV002887535.6), dbSNP rs1294136105, ClinGen allele CA338001631.

ClinVar aggregate classification (germline): Conflicting classifications of pathogenicity. Review status: criteria provided, conflicting classifications (1 of 4 stars). 3 submissions from 3 submitters: Pathogenic (1); Likely pathogenic (1); Uncertain significance (1). Last evaluated 2025-09-07.

Conditions:
PRDM16-related disorder. Also called: PRDM16-related condition.
Left ventricular noncompaction 8 (LVNC8). Identifiers: Orphanet 154, Orphanet 54260, MedGen C3809288, MONDO:0014152, OMIM 615373.

Submissions (3):

GeneDx
Classification: Pathogenic. Last evaluated: 2025-09-07. Review status: criteria provided, single submitter. Criteria: GeneDx Variant Classification Process June 2021. Collection method: clinical testing. Allele origin: germline.
Comment: Identified in a patient with noncompaction cardiomyopathy in published literature (PMID: 29447731); Nonsense variant predicted to result in protein truncation or nonsense mediated decay in a gene for which loss of function is a known mechanism of disease; Not observed at significant frequency in large population cohorts (gnomAD); This variant is associated with the following publications: (PMID: 29447731)

Labcorp Genetics (formerly Invitae), Labcorp
Classification: Uncertain significance for Left ventricular noncompaction 8. Last evaluated: 2024-06-01. Review status: criteria provided, single submitter. Criteria: Invitae Variant Classification Sherloc (09022015). Collection method: clinical testing. Allele origin: germline.
Comment: This sequence change creates a premature translational stop signal (p.Arg950*) in the PRDM16 gene. It is expected to result in an absent or disrupted protein product. However, the current clinical and genetic evidence is not sufficient to establish whether loss-of-function variants in PRDM16 cause disease. This variant is not present in population databases (gnomAD no frequency). This premature translational stop signal has been observed in individual(s) with noncompaction cardiomyopathy (PMID: 29447731). In summary, the available evidence is currently insufficient to determine the role of this variant in disease. Therefore, it has been classified as a Variant of Uncertain Significance.

Blueprint Genetics
Classification: Likely pathogenic for PRDM16-related disorders. Last evaluated: 2022-04-25. Review status: criteria provided, single submitter. Criteria: ACMG Guidelines, 2015. Collection method: clinical testing. Allele origin: germline. Affected: yes. Observed: 2 variant alleles.

Literature cited by the submitters: PubMed 29447731 (cited by Labcorp Genetics (formerly Invitae), Labcorp).